The following is an entry in ClinVar:

ClinVar aggregate classification (germline): Uncertain significance. Review status: criteria provided, multiple submitters, no conflicts (2 of 4 stars). 3 submissions from 3 submitters: Uncertain significance (3). Last evaluated 2023-04-11.

Conditions:
Achromatopsia 4 (ACHM4). Identifiers: Orphanet 49382, MedGen C1841721, MONDO:0013465, OMIM 613856.

Allele frequency attached by ClinVar (database versions not stated): gnomAD 0.00001; ExAC 0.00002; gnomAD exomes 0.00003; TOPMed 0.00005; ESP Exome Variant Server 0.00008.
gnomAD v4.1: 46 of 1,613,470 alleles (0.0029%); highest among the groups gnomAD compares: Non-Finnish European, 0.0037%; no homozygotes.

Submissions (3):

Genome-Nilou Lab
Classification: Uncertain significance for Achromatopsia 4. Last evaluated: 2023-04-11. Review status: criteria provided, single submitter. Criteria: ACMG Guidelines, 2015. Collection method: clinical testing. Allele origin: germline. Affected: no.

Labcorp Genetics (formerly Invitae), Labcorp
Classification: Uncertain significance. Last evaluated: 2022-06-09. Review status: criteria provided, single submitter. Criteria: Invitae Variant Classification Sherloc (09022015). Collection method: clinical testing. Allele origin: germline.
Comment: In summary, the available evidence is currently insufficient to determine the role of this variant in disease. Therefore, it has been classified as a Variant of Uncertain Significance. Advanced modeling of protein sequence and biophysical properties (such as structural, functional, and spatial information, amino acid conservation, physicochemical variation, residue mobility, and thermodynamic stability) performed at Invitae indicates that this missense variant is not expected to disrupt GNAT2 protein function. ClinVar contains an entry for this variant (Variation ID: 876589). This variant has not been reported in the literature in individuals affected with GNAT2-related conditions. This variant is present in population databases (rs140788789, gnomAD 0.01%). This sequence change replaces glutamic acid, which is acidic and polar, with lysine, which is basic and polar, at codon 239 of the GNAT2 protein (p.Glu239Lys).

Illumina Laboratory Services, Illumina
Classification: Uncertain significance for Achromatopsia 4. Last evaluated: 2018-01-12. Review status: criteria provided, single submitter. Criteria: ICSL Variant Classification Criteria 13 December 2019. Collection method: clinical testing. Allele origin: germline.

NM_001377295.2(GNAT2):c.715G>A (p.Glu239Lys)

Genes: GNAT2 (G protein subunit alpha transducin 2; minus strand), LOC129388577 (MPRA-validated peak357 silencer; plus strand). Cytogenetic location: 1p13.3.
Variant type: single nucleotide variant.
Coding change: c.715G>A on transcript NM_001377295.2 (MANE Select); coding-DNA position 715, G replaced by A.
Protein change: p.Glu239Lys; replaces glutamic acid 239 with lysine.
Molecular consequence: missense variant.
Genome position (GRCh38, 1-based): chr1:109,605,975, C>T on the plus strand (G>A on the coding strand, the complement: GNAT2 is on the minus strand). VCF-style: chr1-109605975-C-T. GRCh37 (hg19) VCF-style: chr1-110148597-C-T.
Other names: c.715G>A, p.Glu239Lys (NM_001379232.1, NM_005272.5); short protein forms E239K.
Identifiers: ClinVar variation 876589 (VCV000876589.8), dbSNP rs140788789, ClinGen allele CA992343.
Genomic context (GRCh38, chr1:109,605,975, plus strand): 5'-AGGGTCATGGGGAGAACTTGTTCTACCAAAGCTGCTTGATGCAAAGGCCACTCACCACTT[C>T]GTCATCTTCCACCAGCACCATATCATAGGCACTGAGGGCTGCACAGAAAATGATGCAGGT-3'
Protein context (NP_001364224.1, residues 229-249): AYDMVLVEDD[Glu239Lys]VNRMHESLHL